The following is an entry in ClinVar:

NM_001430.5(EPAS1):c.1444C>A (p.Pro482Thr)

Gene: EPAS1 (endothelial PAS domain protein 1; plus strand). Cytogenetic location: 2p21.
Variant type: single nucleotide variant.
Coding change: c.1444C>A on transcript NM_001430.5 (MANE Select); coding-DNA position 1444, C replaced by A.
Protein change: p.Pro482Thr; replaces proline 482 with threonine.
Molecular consequence: missense variant.
Genome position (GRCh38, 1-based): chr2:46,378,657, C>A. VCF-style: chr2-46378657-C-A. GRCh37 (hg19) VCF-style: chr2-46605796-C-A.
Other names: short protein forms P482T.
Identifiers: ClinVar variation 3508993 (VCV003508993.1).

ClinVar aggregate classification (germline): Uncertain significance (1 of 4 stars; one submission).

Conditions:
Inborn genetic diseases. Identifiers: MedGen C0950123, MeSH D030342.

Submission:

Ambry Genetics
Classification: Uncertain significance for Inborn genetic diseases. Last evaluated: 2024-09-30. Review status: criteria provided, single submitter. Criteria: Ambry Variant Classification Scheme 2023. Collection method: clinical testing. Allele origin: germline.
Comment: The p.P482T variant (also known as c.1444C>A) is located in coding exon 11 of the EPAS1 gene. The proline at codon 482 is replaced by threonine, an amino acid with highly similar properties. This change occurs in the first base pair of coding exon 11. This amino acid position is conserved. In addition, the in silico prediction for this alteration is inconclusive. Based on the available evidence, the clinical significance of this variant remains unclear.